The following is an entry in ClinVar:

NM_024996.7(GFM1):c.2165C>T (p.Pro722Leu)

Gene: GFM1 (G elongation factor mitochondrial 1; plus strand). Cytogenetic location: 3q25.32.
Variant type: single nucleotide variant.
Coding change: c.2165C>T on transcript NM_024996.7 (MANE Select); coding-DNA position 2165, C replaced by T.
Protein change: p.Pro722Leu; replaces proline 722 with leucine.
Molecular consequence: missense variant. On other transcripts: non-coding transcript variant (4).
Genome position (GRCh38, 1-based): chr3:158,691,376, C>T. VCF-style: chr3-158691376-C-T. GRCh37 (hg19) VCF-style: chr3-158409165-C-T.
Other names: p.P722L:CCA>CTA; c.2222C>T, p.Pro741Leu (NM_001308164.2); c.2084C>T, p.Pro695Leu (NM_001374355.1); c.2048C>T, p.Pro683Leu (NM_001374356.1); c.1940C>T, p.Pro647Leu (NM_001374357.1); c.1706C>T, p.Pro569Leu (NM_001374358.1); c.1598C>T, p.Pro533Leu (NM_001374359.1); c.1544C>T, p.Pro515Leu (NM_001374360.1); and 1 more; short protein forms P722L, P741L, P494L, P515L, P533L, P569L, P647L, P683L.
Identifiers: ClinVar variation 214490 (VCV000214490.3), dbSNP rs764933537, ClinGen allele CA324068.

ClinVar aggregate classification (germline): Uncertain significance. Review status: criteria provided, single submitter (1 of 4 stars). 2 submissions from 2 submitters: Uncertain significance (1). 1 of the submissions does not count toward it. Last evaluated 2014-07-17.

Conditions:
Hepatoencephalopathy due to combined oxidative phosphorylation defect type 1. Also called: HEPATOENCEPHALOPATHY, EARLY FATAL PROGRESSIVE. Identifiers: Orphanet 137681, MedGen C1836797, MONDO:0012191, OMIM 609060.

Allele frequency attached by ClinVar (database versions not stated): gnomAD 0.00001; ExAC 0.00002; gnomAD exomes 0.00002 and 0.00003; TOPMed 0.00002.
gnomAD v4.1: 41 of 1,613,474 alleles (0.0025%); highest among the groups gnomAD compares: Non-Finnish European, 0.0032%; no homozygotes.

Submissions (2):

GeneDx
Classification: Uncertain significance. Last evaluated: 2014-07-17. Review status: criteria provided, single submitter. Criteria: GeneDx Variant Classification (06012015). Collection method: clinical testing. Allele origin: germline. Affected: yes.
Comment: .p.Pro722Leu (CCA>CTA): c.2165 C>T in exon 18 of the GFM1 gene (NM_024996.5). The P722L variant has not been published as a mutation, nor has it been reported as a benign polymorphism to our knowledge. The P722L variant is a semi-conservative amino acid substitution, which may impact secondary protein structure as these residues differ in some properties. This substitution occurs at a position that is not conserved across species. In silico analysis is inconsistent in its predictions as to whether or not the variant is damaging to the protein structure/function. Therefore, based on the currently available information, it is unclear whether this variant is a pathogenic mutation or a rare benign variant. The variant is found in MITONUC-MITOP panel(s).

Natera, Inc.
Classification: Uncertain significance for Combined oxidative phosphorylation deficiency 1. Last evaluated: 2019-10-28. Review status: no assertion criteria provided. Collection method: clinical testing. Allele origin: germline. Not counted in ClinVar's aggregate classification.